The following is an entry in ClinVar:

NM_004415.4(DSP):c.6398dup (p.Val2134fs)

Gene: DSP (desmoplakin; plus strand). Cytogenetic location: 6p24.3.
Variant type: Duplication.
Coding change: c.6398dup on transcript NM_004415.4 (MANE Select); coding-DNA position 6398, one base duplicated (G; older notation c.6398dupG).
Protein change: p.Val2134fs; shifts the reading frame from valine 2134.
Molecular consequence: frameshift variant.
Genome position (GRCh38, 1-based): chr6:7,583,660, G duplicated; the last of 5 consecutive G bases (chr6:7,583,656-7,583,660); duplicating any one gives the same sequence. VCF-style (leftmost placement, unchanged base first): chr6-7583655-A-AG. GRCh37 (hg19) VCF-style: chr6-7583888-A-AG.
Other names: c.6398dup (LRG_423t1); c.4601dup, p.Val1535fs (NM_001008844.3); c.5069dup, p.Val1691fs (NM_001319034.2); short protein forms V1691fs, V2134fs, V1535fs.
Identifiers: ClinVar variation 199926 (VCV000199926.10), dbSNP rs794728147, ClinGen allele CA303945.

ClinVar aggregate classification (germline): Pathogenic. Review status: criteria provided, multiple submitters, no conflicts (2 of 4 stars). 2 submissions from 2 submitters: Pathogenic (2). Last evaluated 2020-03-05.

Conditions:
Arrhythmogenic cardiomyopathy with wooly hair and keratoderma. Also called: Carvajal syndrome; Dilated cardiomyopathy with woolly hair and keratoderma; Arrhythmogenic cardiomyopathy with woolly hair and keratoderma; PALMOPLANTAR KERATODERMA WITH LEFT VENTRICULAR CARDIOMYOPATHY AND WOOLLY HAIR. Identifiers: Orphanet 65282, MedGen C1854063, MONDO:0011581, OMIM 605676.
Arrhythmogenic right ventricular dysplasia 8 (ARVD8). Also called: Arrhythmogenic Right Ventricular Dysplasia/Cardiomyopathy 8; ARRHYTHMOGENIC RIGHT VENTRICULAR CARDIOMYOPATHY 8; ARRHYTHMOGENIC RIGHT VENTRICULAR DYSPLASIA, FAMILIAL, 8. Identifiers: MedGen C1843896, MONDO:0011831, OMIM 607450.

Submissions (2):

Labcorp Genetics (formerly Invitae), Labcorp
Classification: Pathogenic for Arrhythmogenic cardiomyopathy with wooly hair and keratoderma; Arrhythmogenic right ventricular dysplasia 8. Last evaluated: 2020-03-05. Review status: criteria provided, single submitter. Criteria: Invitae Variant Classification Sherloc (09022015). Collection method: clinical testing. Allele origin: germline.
Comment: For these reasons, this variant has been classified as Pathogenic. This variant disrupts the C-terminus of the DSP protein. Other variant(s) that disrupt this region (p.Ile2359Serfs*10) have been determined to be pathogenic (Invitae). This suggests that variants that disrupt this region of the protein are likely to be causative of disease. This variant has not been reported in the literature in individuals with DSP-related conditions. ClinVar contains an entry for this variant (Variation ID: 199926). This variant is not present in population databases (ExAC no frequency). This sequence change results in a premature translational stop signal in the DSP gene (p.Val2134Cysfs*22). While this is not anticipated to result in nonsense mediated decay, it is expected to disrupt the last 738 amino acids of the DSP protein.

GeneDx
Classification: Pathogenic. Last evaluated: 2013-07-11. Review status: criteria provided, single submitter. Criteria: GeneDx Variant Classification (06012015). Collection method: clinical testing. Allele origin: germline. Affected: yes.
Comment: Although the c.6398dupG mutation in the DSP gene has not been reported to our knowledge, this mutation causes a shift in reading frame starting at codon Valine 2134, changing it to a Cysteine, and creating a premature stop codon at position 22 of the new reading frame, denoted p.Val2134CysfsX22. This mutation is expected to result in an abnormal, truncated protein product. Other frameshift mutations in the DSP gene have been reported in association with ARVC. The variant is found in ARVC panel(s).